The following is an entry in ClinVar:

NM_000516.7(GNAS):c.217G>T (p.Gly73Cys)

Gene: GNAS (GNAS complex locus; plus strand). Cytogenetic location: 20q13.32.
Variant type: single nucleotide variant.
Coding change: c.217G>T on transcript NM_000516.7 (MANE Select); coding-DNA position 217, G replaced by T.
Protein change: p.Gly73Cys; replaces glycine 73 with cysteine.
Molecular consequence: missense variant. On other transcripts: 3 prime UTR variant (3), non-coding transcript variant (2), intron variant (3).
Genome position (GRCh38, 1-based): chr20:58,898,945, G>T. VCF-style: chr20-58898945-G-T. GRCh37 (hg19) VCF-style: chr20-57474000-G-T.
Other names: c.217G>T, p.Gly73Cys (NM_001077488.5, NM_001309842.2); c.*78G>T (NM_001077490.3); c.40G>T, p.Gly14Cys (NM_001309840.2, NM_001309861.2); c.*236G>T (NM_001309883.1); c.121G>T, p.Gly41Cys (NM_001410912.1); c.*120G>T (NM_016592.5); c.2146G>T, p.Gly716Cys (NM_080425.4); c.2141+3261G>T (NM_001410913.1); and 1 more; short protein forms G716C, G41C, G14C, G73C.
Identifiers: ClinVar variation 2815763 (VCV002815763.3), dbSNP rs587778380, ClinGen allele CA409450080.
Genomic context (GRCh38, chr20:58,898,945, plus strand): 5'-TGTGTGACACTGCGGTGCCTTGCAGATTAGGTGAGCTTTCAATCTCTCTTTAAAAGGGGC[G>T]GCGAAGAGGACCCGCAGGCTGCAAGGAGCAACAGCGATGGGTAGGCACATTCAAAACCAG-3'
Protein context (NP_000507.1, residues 63-83): LHVNGFNGEG[Gly73Cys]EEDPQAARSN

ClinVar aggregate classification (germline): Uncertain significance (1 of 4 stars; one submission).

gnomAD v4.1: 2 of 1,613,522 alleles (0.00012%); highest among the groups gnomAD compares: East Asian, 0.0022%; no homozygotes.

Submission:

Labcorp Genetics (formerly Invitae), Labcorp
Classification: Uncertain significance. Last evaluated: 2022-11-23. Review status: criteria provided, single submitter. Criteria: Invitae Variant Classification Sherloc (09022015). Collection method: clinical testing. Allele origin: germline.
Comment: This variant has not been reported in the literature in individuals affected with GNAS-related conditions. This variant is not present in population databases (gnomAD no frequency). This sequence change replaces glycine, which is neutral and non-polar, with cysteine, which is neutral and slightly polar, at codon 73 of the GNAS protein (p.Gly73Cys). Advanced modeling of protein sequence and biophysical properties (such as structural, functional, and spatial information, amino acid conservation, physicochemical variation, residue mobility, and thermodynamic stability) has been performed at Invitae for this missense variant, however the output from this modeling did not meet the statistical confidence thresholds required to predict the impact of this variant on GNAS protein function. In summary, the available evidence is currently insufficient to determine the role of this variant in disease. Therefore, it has been classified as a Variant of Uncertain Significance.